The following is an entry in ClinVar:

NM_001148.6(ANK2):c.8911G>C (p.Val2971Leu)

Gene: ANK2 (ankyrin 2; plus strand). Cytogenetic location: 4q26.
Variant type: single nucleotide variant.
Coding change: c.8911G>C on transcript NM_001148.6 (MANE Select); coding-DNA position 8911, G replaced by C.
Protein change: p.Val2971Leu; replaces valine 2971 with leucine.
Molecular consequence: missense variant. On other transcripts: intron variant (68).
Genome position (GRCh38, 1-based): chr4:113,357,529, G>C. VCF-style: chr4-113357529-G-C. GRCh37 (hg19) VCF-style: chr4-114278685-G-C.
Other names: c.8677G>C, p.Val2893Leu (NM_001386142.1); c.5311G>C, p.Val1771Leu (NM_001386166.1); c.9052G>C, p.Val3018Leu (NM_001386174.1); c.9028G>C, p.Val3010Leu (NM_001386175.1); c.4412-3294G>C (NM_001386186.2, NM_001386148.2); c.4214-3294G>C (NM_001354269.3); c.4292-3294G>C (NM_001386187.2); c.4253-3294G>C (NM_001386147.1); and 35 more; short protein forms V1771L, V2893L, V2971L, V3010L, V3018L.
Identifiers: ClinVar variation 1317182 (VCV001317182.2), dbSNP rs752493662, ClinGen allele CA357935806.

ClinVar aggregate classification (germline): Uncertain significance (1 of 4 stars; one submission).

Submission:

GeneDx
Classification: Uncertain significance. Last evaluated: 2019-07-11. Review status: criteria provided, single submitter. Criteria: GeneDx Variant Classification Process June 2021. Collection method: clinical testing. Allele origin: germline. Affected: yes.
Comment: Has not been previously published as pathogenic or benign to our knowledge; Not observed in large population cohorts (Lek et al., 2016); In silico analysis, which includes protein predictors and evolutionary conservation, supports that this variant does not alter protein structure/function